The following is an entry in ClinVar:

NM_016219.5(MAN1B1):c.1896+31C>T

Gene: MAN1B1 (mannosidase alpha class 1B member 1; plus strand). Cytogenetic location: 9q34.3.
Variant type: single nucleotide variant.
Coding change: c.1896+31C>T on transcript NM_016219.5 (MANE Select); 31 bases into the intron after coding-DNA position 1896, C replaced by T.
Molecular consequence: intron variant.
Genome position (GRCh38, 1-based): chr9:137,107,693, C>T. VCF-style: chr9-137107693-C-T. GRCh37 (hg19) VCF-style: chr9-140002145-C-T.
Identifiers: ClinVar variation 2659804 (VCV002659804.24), dbSNP rs115780555, ClinGen allele CA5359432.

ClinVar aggregate classification (germline): Benign (1 of 4 stars; one submission).

Allele frequency attached by ClinVar (database versions not stated): gnomAD exomes 0.00040; ExAC 0.00127; gnomAD 0.00309; TOPMed 0.00371; 1000 Genomes Project 0.00399; 1000 Genomes Project 30x 0.00406; ESP Exome Variant Server 0.00415.
gnomAD v4.1: 1,075 of 1,610,366 alleles (0.067%); highest among the groups gnomAD compares: African/African-American, 1.1%; 5 homozygotes.

Submission:

CeGaT Center for Human Genetics Tuebingen
Classification: Benign. Last evaluated: 2022-12-01. Review status: criteria provided, single submitter. Criteria: CeGaT Center For Human Genetics Tuebingen Variant Classification Criteria Version 2. Collection method: clinical testing. Allele origin: germline. Affected: yes. Observed: 1 variant allele.
Comment: MAN1B1: BS1, BS2